The following is an entry in ClinVar:

NM_006005.3(WFS1):c.2026C>T (p.Arg676Cys)

Gene: WFS1 (wolframin ER transmembrane glycoprotein; plus strand). Cytogenetic location: 4p16.1.
Variant type: single nucleotide variant.
Coding change: c.2026C>T on transcript NM_006005.3 (MANE Select); coding-DNA position 2026, C replaced by T.
Protein change: p.Arg676Cys; replaces arginine 676 with cysteine.
Molecular consequence: missense variant.
Genome position (GRCh38, 1-based): chr4:6,301,821, C>T. VCF-style: chr4-6301821-C-T. GRCh37 (hg19) VCF-style: chr4-6303548-C-T.
Other names: c.2026C>T, p.Arg676Cys (NM_001145853.1); short protein forms R676C.
Identifiers: ClinVar variation 349321 (VCV000349321.21), dbSNP rs201623184, ClinGen allele CA2839575.
Genomic context (GRCh38, chr4:6,301,821, plus strand): 5'-GGCATGAAGGTCTACAACTCCACACTGACCTGGCAGCAGTATGGTGCGCTGTGCGGGCCA[C>T]GCGCCTGGAAGGAGACCAACATGGCGCGCACCCAGATCCTCTGCAGCCACCTGGAGGGCC-3'
Protein context (NP_005996.2, residues 666-686): WQQYGALCGP[Arg676Cys]AWKETNMART

ClinVar aggregate classification (germline): Uncertain significance. Review status: criteria provided, multiple submitters, no conflicts (2 of 4 stars). 8 submissions from 7 submitters: Uncertain significance (8). Last evaluated 2026-01-24.

Conditions:
Wolfram syndrome 1 (WFS1). Identifiers: Orphanet 3463, MedGen C4551693, MONDO:0009101, OMIM 222300.
Wolfram-like syndrome. Also called: HEARING LOSS, PROGRESSIVE, WITH OPTIC ATROPHY AND/OR IMPAIRED GLUCOSE REGULATION. Identifiers: Orphanet 411590, MedGen C3280358, MONDO:0013673, OMIM 614296.
Cataract 41 (CTRCT41). Also called: CATARACT 41, CONGENITAL NUCLEAR TYPE. Identifiers: Orphanet 91492, Orphanet 98991, Orphanet 98992, Orphanet 98995, MedGen C3805412, MONDO:0007287, OMIM 116400.
Autosomal dominant nonsyndromic hearing loss 6 (LFSNHL). Also called: Autosomal dominant nonsyndromic deafness 6; DEAFNESS, AUTOSOMAL DOMINANT 6; DEAFNESS, AUTOSOMAL DOMINANT 14; DEAFNESS, AUTOSOMAL DOMINANT 38. Identifiers: Orphanet 90635, MedGen C1833021, MONDO:0010963, OMIM 600965.
Type 2 diabetes mellitus. Also called: Type II diabetes mellitus. Identifiers: MedGen C0011860, MeSH D003924, MONDO:0005148, OMIM 125853, HP:0005978.
WFS1-Related Spectrum Disorders.

Allele frequency attached by ClinVar (database versions not stated): gnomAD 0.00006; TOPMed 0.00010; ESP Exome Variant Server 0.00015; 1000 Genomes Project 30x 0.00031.
gnomAD v4.1: 336 of 1,613,112 alleles (0.021%); highest among the groups gnomAD compares: Non-Finnish European, 0.026%; no homozygotes.

Submissions (8):

Labcorp Genetics (formerly Invitae), Labcorp
Classification: Uncertain significance. Last evaluated: 2026-01-24. Review status: criteria provided, single submitter. Criteria: Invitae Variant Classification Sherloc (09022015). Collection method: clinical testing. Allele origin: germline.
Comment: This sequence change replaces arginine, which is basic and polar, with cysteine, which is neutral and slightly polar, at codon 676 of the WFS1 protein (p.Arg676Cys). This variant is present in population databases (rs201623184, gnomAD 0.02%). This missense change has been observed in individual(s) with deafness (PMID: 28974383). ClinVar contains an entry for this variant (Variation ID: 349321). Invitae Evidence Modeling of protein sequence and biophysical properties (such as structural, functional, and spatial information, amino acid conservation, physicochemical variation, residue mobility, and thermodynamic stability) has been performed for this missense variant. However, the output from this modeling did not meet the statistical confidence thresholds required to predict the impact of this variant on WFS1 protein function. In summary, the available evidence is currently insufficient to determine the role of this variant in disease. Therefore, it has been classified as a Variant of Uncertain Significance.

ARUP Laboratories, Molecular Genetics and Genomics, ARUP Laboratories
Classification: Uncertain significance. Last evaluated: 2025-03-27. Review status: criteria provided, single submitter. Criteria: ARUP Molecular Germline Variant Investigation Process 2024. Collection method: clinical testing. Allele origin: germline.
Comment: The WFS1 c.2026C>T; p.Arg676Cys variant (rs201623184, ClinVar Variation ID 349321) is reported in the literature in at least one individual affected with hearing loss (Kytovuori 2017). This variant is found in the general population with an overall allele frequency of 0.009% (25/281,882 alleles) in the Genome Aggregation Database (v2.1.1). Additionally, another amino acid substitution at this codon (p.Arg676His) has been reported in multiple individuals affected with hearing loss (Moteki 2016, Usami 2022). Computational analyses are uncertain whether this variant is neutral or deleterious (REVEL: 0.68). Due to limited information, the clinical significance of this variant is uncertain at this time. References: Kytovuori L et al. A nonsynonymous mutation in the WFS1 gene in a Finnish family with age-related hearing impairment. Hear Res. 2017 Nov;355:97-101. PMID: 28974383. Moteki H et al. Comprehensive genetic testing with ethnic-specific filtering by allele frequency in a Japanese hearing-loss population. Clin Genet. 2016 Apr;89(4):466-472. PMID: 26346818. Usami SI et al. The genetic etiology of hearing loss in Japan revealed by the social health insurance-based genetic testing of 10K patients. Hum Genet. 2022 Apr;141(3-4):665-681. PMID: 34599366.

Blueprint Genetics
Classification: Uncertain significance. Last evaluated: 2024-09-02. Review status: criteria provided, single submitter. Criteria: ACMG Guidelines, 2015. Collection method: clinical testing. Allele origin: germline.

Fulgent Genetics
Classification: Uncertain significance for Cataract 41; Type 2 diabetes mellitus; Wolfram syndrome 1; Autosomal dominant nonsyndromic hearing loss 6; Wolfram-like syndrome. Last evaluated: 2023-12-28. Review status: criteria provided, single submitter. Criteria: ACMG Guidelines, 2015. Collection method: clinical testing. Allele origin: germline.

GeneDx
Classification: Uncertain significance. Last evaluated: 2023-12-07. Review status: criteria provided, single submitter. Criteria: GeneDx Variant Classification Process June 2021. Collection method: clinical testing. Allele origin: germline. Affected: yes.
Comment: Observed in a patient with hearing loss in published literature (PMID: 28974383); In silico analysis supports that this missense variant has a deleterious effect on protein structure/function; This variant is associated with the following publications: (PMID: 28974383)

Illumina Laboratory Services, Illumina
Classification: Uncertain significance for Autosomal dominant nonsyndromic hearing loss 6. Last evaluated: 2018-01-12. Review status: criteria provided, single submitter. Criteria: ICSL Variant Classification Criteria 13 December 2019. Collection method: clinical testing. Allele origin: germline.

Illumina Laboratory Services, Illumina
Classification: Uncertain significance for WFS1-Related Spectrum Disorders. Last evaluated: 2018-01-12. Review status: criteria provided, single submitter. Criteria: ICSL Variant Classification Criteria 13 December 2019. Collection method: clinical testing. Allele origin: germline.

Laboratory for Molecular Medicine, Mass General Brigham Personalized Medicine
Classification: Uncertain significance. Last evaluated: 2016-09-08. Review status: criteria provided, single submitter. Criteria: LMM Criteria. Collection method: clinical testing. Allele origin: germline. Observed: 1 variant allele.
Comment: The p.Arg676Cys variant in WFS1 has not been previously reported in individuals with hearing loss, or Wolfram syndrome Wolfram-like disorder, but has been ident ified in 10/121020 pan-ethnic chromosomes by the Exome Aggregation Consortium (E xAC; dbSNP rs201623184). Although this variant h as been seen in the general population, its frequency is not high enough to rule out a pathogenic role. Computational prediction tools and conservation analysis do not provide strong support for or against an impact to the protein. In summa ry, the clinical significance of the p.Arg676Cys variant is uncertain.

Literature cited by the submitters: PubMed 28974383 (cited by Labcorp Genetics (formerly Invitae), Labcorp).